The following is an entry in ClinVar:

ClinVar aggregate classification (germline): Conflicting classifications of pathogenicity. Review status: criteria provided, conflicting classifications (1 of 4 stars). 5 submissions from 5 submitters: Uncertain significance (3); Likely benign (1). 1 of the submissions does not count toward it. Last evaluated 2026-01-24.

Conditions:
HPS4-related disorder. Also called: HPS4-related condition.
Hermansky-Pudlak syndrome 4 (HPS4). Identifiers: Orphanet 231500, Orphanet 79430, MedGen C3484357, MONDO:0013556, OMIM 614073.

Allele frequency attached by ClinVar (database versions not stated): ExAC 0.00021; ESP Exome Variant Server 0.00031; gnomAD 0.00058; TOPMed 0.00064; 1000 Genomes Project 0.00080; 1000 Genomes Project 30x 0.00125.
gnomAD v4.1: 186 of 1,613,764 alleles (0.012%); highest among the groups gnomAD compares: African/African-American, 0.2%; 1 homozygote.

Submissions (5):

Labcorp Genetics (formerly Invitae), Labcorp
Classification: Likely benign. Last evaluated: 2026-01-24. Review status: criteria provided, single submitter. Criteria: Invitae Variant Classification Sherloc (09022015). Collection method: clinical testing. Allele origin: germline.

Blueprint Genetics
Classification: Uncertain significance. Last evaluated: 2024-11-13. Review status: criteria provided, single submitter. Criteria: ACMG Guidelines, 2015. Collection method: clinical testing. Allele origin: germline.

Johns Hopkins Genomics, Johns Hopkins University
Classification: Uncertain significance for Hermansky-Pudlak syndrome 4. Last evaluated: 2024-01-08. Review status: criteria provided, single submitter. Criteria: ACMG Guidelines, 2015. Collection method: clinical testing. Allele origin: germline.
Comment: This HPS4 missense variant (rs199965734) is rare (<0.1%) in a large population dataset (gnomAD v4.0.0: 186/1613764 total alleles; 0.01%; 1 homozygote). It has been reported in ClinVar (Variation ID 903599), but has not been reported in the literature, to our knowledge. Two bioinformatic tools queried predict that this substitution would be damaging, and the glycine residue at this position is evolutionarily conserved across all but one of the species assessed. We consider the clinical significance of c.593G>A in HPS4 to be uncertain at this time.

Illumina Laboratory Services, Illumina
Classification: Uncertain significance for Hermansky-Pudlak syndrome 4. Last evaluated: 2018-01-13. Review status: criteria provided, single submitter. Criteria: ICSL Variant Classification Criteria 13 December 2019. Collection method: clinical testing. Allele origin: germline.

PreventionGenetics, part of Exact Sciences
Classification: Likely benign for HPS4-related condition. Last evaluated: 2022-05-26. Review status: no assertion criteria provided. Collection method: clinical testing. Allele origin: germline. Not counted in ClinVar's aggregate classification.
Comment: This variant is classified as likely benign based on ACMG/AMP sequence variant interpretation guidelines (Richards et al. 2015 PMID: 25741868, with internal and published modifications).

NM_022081.6(HPS4):c.593G>A (p.Gly198Glu)

Gene: HPS4 (HPS4 biogenesis of lysosomal organelles complex 3 subunit 2; minus strand). Cytogenetic location: 22q12.1.
Variant type: single nucleotide variant.
Coding change: c.593G>A on transcript NM_022081.6 (MANE Select); coding-DNA position 593, G replaced by A.
Protein change: p.Gly198Glu; replaces glycine 198 with glutamic acid.
Molecular consequence: missense variant. On other transcripts: non-coding transcript variant (8).
Genome position (GRCh38, 1-based): chr22:26,470,722, C>T on the plus strand (G>A on the coding strand, the complement: HPS4 is on the minus strand). VCF-style: chr22-26470722-C-T. GRCh37 (hg19) VCF-style: chr22-26866688-C-T.
Other names: c.593G>A, p.Gly198Glu (NM_001349896.1, NM_001349898.2, NM_001349899.2 and 6 more transcripts); c.578G>A, p.Gly193Glu (NM_152841.2); short protein forms G198E, G193E.
Identifiers: ClinVar variation 903599 (VCV000903599.15), dbSNP rs199965734, ClinGen allele CA10163641.